The following is an entry in ClinVar:

NM_001256317.3(TMPRSS3):c.1191+10C>T

Gene: TMPRSS3 (transmembrane serine protease 3; minus strand). Cytogenetic location: 21q22.3.
Variant type: single nucleotide variant.
Coding change: c.1191+10C>T on transcript NM_001256317.3 (MANE Select); 10 bases into the intron after coding-DNA position 1191, C replaced by T.
Molecular consequence: intron variant.
Genome position (GRCh38, 1-based): chr21:42,376,531, G>A on the plus strand (C>T on the coding strand, the complement: TMPRSS3 is on the minus strand). VCF-style: chr21-42376531-G-A. GRCh37 (hg19) VCF-style: chr21-43796640-G-A.
Other names: c.1194+10C>T (NM_024022.4); c.813+10C>T (NM_032404.3).
Identifiers: ClinVar variation 736897 (VCV000736897.13), dbSNP rs201451028, ClinGen allele CA10042307.

ClinVar aggregate classification (germline): Conflicting classifications of pathogenicity. Review status: criteria provided, conflicting classifications (1 of 4 stars). 4 submissions from 4 submitters: Uncertain significance (1); Benign (1); Likely benign (2). Last evaluated 2025-03-26.

Conditions:
TMPRSS3-related disorder. Also called: TMPRSS3-related condition.
Autosomal recessive nonsyndromic hearing loss 8 (DFNB8). Also called: NEUROSENSORY NONSYNDROMIC RECESSIVE DEAFNESS 8; Deafness, autosomal recessive 10. Identifiers: Orphanet 90636, MedGen C1832827, MONDO:0010987, OMIM 601072.

Allele frequency attached by ClinVar (database versions not stated): TOPMed 0.00011; gnomAD 0.00012 and 0.00021; ESP Exome Variant Server 0.00015; 1000 Genomes Project 30x 0.00031; 1000 Genomes Project 0.00040; gnomAD exomes 0.00052; ExAC 0.00054.
gnomAD v4.1: 501 of 1,612,762 alleles (0.031%); highest among the groups gnomAD compares: South Asian, 0.3%; 4 homozygotes.

Submissions (4):

Labcorp Genetics (formerly Invitae), Labcorp
Classification: Benign. Last evaluated: 2025-03-26. Review status: criteria provided, single submitter. Criteria: Invitae Variant Classification Sherloc (09022015). Collection method: clinical testing. Allele origin: germline.

PreventionGenetics, part of Exact Sciences
Classification: Likely benign for TMPRSS3-related condition. Last evaluated: 2025-02-12. Review status: criteria provided, single submitter. Criteria: ACMG Guidelines, 2015. Collection method: clinical testing. Allele origin: germline.
Comment: This variant is classified as likely benign based on ACMG/AMP sequence variant interpretation guidelines (Richards et al. 2015 PMID: 25741868, with internal and published modifications).

GeneDx
Classification: Likely benign. Last evaluated: 2019-01-04. Review status: criteria provided, single submitter. Criteria: GeneDx Variant Classification Process June 2021. Collection method: clinical testing. Allele origin: germline. Affected: yes.

Illumina Laboratory Services, Illumina
Classification: Uncertain significance for Autosomal recessive nonsyndromic hearing loss 8. Last evaluated: 2018-01-13. Review status: criteria provided, single submitter. Criteria: ICSL Variant Classification Criteria 13 December 2019. Collection method: clinical testing. Allele origin: germline.